The following is an entry in ClinVar:

ClinVar aggregate classification (germline): Uncertain significance (1 of 4 stars; one submission).

gnomAD v4.1: 3 of 1,614,064 alleles (0.00019%); highest among the groups gnomAD compares: Non-Finnish European, 0.00025%; no homozygotes.

Submission:

Labcorp Genetics (formerly Invitae), Labcorp
Classification: Uncertain significance. Last evaluated: 2025-08-21. Review status: criteria provided, single submitter. Criteria: Invitae Variant Classification Sherloc (09022015). Collection method: clinical testing. Allele origin: germline.
Comment: This sequence change replaces alanine, which is neutral and non-polar, with serine, which is neutral and polar, at codon 361 of the TAOK2 protein (p.Ala361Ser). This variant is not present in population databases (gnomAD no frequency). This variant has not been reported in the literature in individuals affected with TAOK2-related conditions. An algorithm developed to predict the effect of missense changes on protein structure and function (PolyPhen-2) suggests that this variant is likely to be disruptive. In summary, the available evidence is currently insufficient to determine the role of this variant in disease. Therefore, it has been classified as a Variant of Uncertain Significance.

NM_016151.4(TAOK2):c.1081G>T (p.Ala361Ser)

Gene: TAOK2 (TAO kinase 2; plus strand). Cytogenetic location: 16p11.2.
Variant type: single nucleotide variant.
Coding change: c.1081G>T on transcript NM_016151.4 (MANE Select); coding-DNA position 1081, G replaced by T.
Protein change: p.Ala361Ser; replaces alanine 361 with serine.
Molecular consequence: missense variant.
Genome position (GRCh38, 1-based): chr16:29,983,153, G>T. VCF-style: chr16-29983153-G-T. GRCh37 (hg19) VCF-style: chr16-29994474-G-T.
Other names: c.1081G>T, p.Ala361Ser (NM_001252043.2, NM_004783.4); short protein forms A361S.
Identifiers: ClinVar variation 4720089 (VCV004720089.1).